The following is an entry in ClinVar:

ClinVar aggregate classification (germline): Uncertain significance. Review status: criteria provided, multiple submitters, no conflicts (2 of 4 stars). 4 submissions from 4 submitters: Uncertain significance (4). Last evaluated 2025-06-24.

Conditions:
Inborn genetic diseases. Identifiers: MedGen C0950123, MeSH D030342.
Bardet-Biedl syndrome (BBS). Identifiers: Orphanet 110, MedGen C0752166, MONDO:0015229.
Bardet-Biedl syndrome 9 (BBS9). Identifiers: Orphanet 110, MedGen C1859567, MONDO:0014437, OMIM 615986.
BBS9-related disorder. Also called: BBS9-related condition.

Allele frequency attached by ClinVar (database versions not stated): gnomAD exomes below 0.00001; gnomAD 0.00005; TOPMed 0.00006; ESP Exome Variant Server 0.00008.
gnomAD v4.1: 11 of 1,614,110 alleles (0.00068%); highest among the groups gnomAD compares: African/African-American, 0.013%; no homozygotes.

Submissions (4):

Ambry Genetics
Classification: Uncertain significance for Inborn genetic diseases. Last evaluated: 2025-06-24. Review status: criteria provided, single submitter. Criteria: Ambry Variant Classification Scheme 2023. Collection method: clinical testing. Allele origin: germline.

PreventionGenetics, part of Exact Sciences
Classification: Uncertain significance for BBS9-related condition. Last evaluated: 2025-02-17. Review status: criteria provided, single submitter. Criteria: ACMG Guidelines, 2015. Collection method: clinical testing. Allele origin: germline.
Comment: The BBS9 c.2358G>C variant is predicted to result in the amino acid substitution p.Lys786Asn. To our knowledge, this variant has not been reported in the literature. This variant is reported in 0.016% of alleles in individuals of African descent in gnomAD. At this time, the clinical significance of this variant is uncertain due to the absence of conclusive functional and genetic evidence.

Fulgent Genetics
Classification: Uncertain significance for Bardet-Biedl syndrome 9. Last evaluated: 2024-05-15. Review status: criteria provided, single submitter. Criteria: ACMG Guidelines, 2015. Collection method: clinical testing. Allele origin: germline.

Labcorp Genetics (formerly Invitae), Labcorp
Classification: Uncertain significance for Bardet-Biedl syndrome. Last evaluated: 2022-08-07. Review status: criteria provided, single submitter. Criteria: Invitae Variant Classification Sherloc (09022015). Collection method: clinical testing. Allele origin: germline.
Comment: In summary, the available evidence is currently insufficient to determine the role of this variant in disease. Therefore, it has been classified as a Variant of Uncertain Significance. Algorithms developed to predict the effect of missense changes on protein structure and function are either unavailable or do not agree on the potential impact of this missense change (SIFT: "Deleterious"; PolyPhen-2: "Probably Damaging"; Align-GVGD: "Class C0"). This variant has not been reported in the literature in individuals affected with BBS9-related conditions. This variant is present in population databases (rs377403564, gnomAD 0.02%). This sequence change replaces lysine, which is basic and polar, with asparagine, which is neutral and polar, at codon 786 of the BBS9 protein (p.Lys786Asn).

NM_198428.3(BBS9):c.2358G>C (p.Lys786Asn)

Gene: BBS9 (Bardet-Biedl syndrome 9; plus strand). Cytogenetic location: 7p14.3.
Variant type: single nucleotide variant.
Coding change: c.2358G>C on transcript NM_198428.3 (MANE Select); coding-DNA position 2358, G replaced by C.
Protein change: p.Lys786Asn; replaces lysine 786 with asparagine.
Molecular consequence: missense variant. On other transcripts: non-coding transcript variant (3).
Genome position (GRCh38, 1-based): chr7:33,534,013, G>C. VCF-style: chr7-33534013-G-C. GRCh37 (hg19) VCF-style: chr7-33573625-G-C.
Other names: c.2358G>C (NM_198428.2); c.2253G>C, p.Lys751Asn (NM_001033604.2); c.2343G>C, p.Lys781Asn (NM_001033605.2); c.2358G>C, p.Lys786Asn (NM_001348036.1, NM_001348041.4, NM_001348043.3 and 3 more transcripts); c.1809G>C, p.Lys603Asn (NM_001348037.3); c.2085G>C, p.Lys695Asn (NM_001348038.3); c.1980G>C, p.Lys660Asn (NM_001348039.3); c.2238G>C, p.Lys746Asn (NM_001348040.3, NM_014451.4); and 3 more; short protein forms K603N, K741N, K786N, K629N, K660N, K664N, K746N, K751N.
Identifiers: ClinVar variation 2155618 (VCV002155618.6), dbSNP rs377403564, ClinGen allele CA156748356.